The following is an entry in ClinVar:

NM_018100.4(EFHC1):c.1584C>T (p.Leu528=)

Gene: EFHC1 (EF-hand domain containing 1; plus strand). Cytogenetic location: 6p12.2.
Variant type: single nucleotide variant.
Coding change: c.1584C>T on transcript NM_018100.4 (MANE Select); coding-DNA position 1584, C replaced by T.
Protein change: p.Leu528=; no amino-acid change (leucine 528 retained).
Molecular consequence: synonymous variant. On other transcripts: non-coding transcript variant (1).
Genome position (GRCh38, 1-based): chr6:52,479,731, C>T. VCF-style: chr6-52479731-C-T. GRCh37 (hg19) VCF-style: chr6-52344529-C-T.
Other names: c.1527C>T, p.Leu509= (NM_001172420.2).
Identifiers: ClinVar variation 377826 (VCV000377826.14), dbSNP rs774640110, ClinGen allele CA3856126.

ClinVar aggregate classification (germline): Likely benign. Review status: criteria provided, multiple submitters, no conflicts (2 of 4 stars). 3 submissions from 3 submitters: Likely benign (3). Last evaluated 2024-11-26.

Conditions:
Absence seizure. Also called: Absence epilepsy. Identifiers: Orphanet 1941, MedGen C0014553.
Myoclonic epilepsy, juvenile, susceptibility to, 1. Also called: Myoclonic Epilepsy, Juvenile, 1; EJM1. Identifiers: MedGen C1850778, MONDO:0020752, OMIM 254770.

Allele frequency attached by ClinVar (database versions not stated): gnomAD 0.00005 and 0.00006; gnomAD exomes 0.00006; TOPMed 0.00006; ExAC 0.00007.
gnomAD v4.1: 120 of 1,614,068 alleles (0.0074%); highest among the groups gnomAD compares: Non-Finnish European, 0.0098%; no homozygotes.

Submissions (3):

Blueprint Genetics
Classification: Likely benign. Last evaluated: 2024-11-26. Review status: criteria provided, single submitter. Criteria: ACMG Guidelines, 2015. Collection method: clinical testing. Allele origin: germline.

Labcorp Genetics (formerly Invitae), Labcorp
Classification: Likely benign for Myoclonic epilepsy, juvenile, susceptibility to, 1; Absence seizure. Last evaluated: 2022-02-24. Review status: criteria provided, single submitter. Criteria: Invitae Variant Classification Sherloc (09022015). Collection method: clinical testing. Allele origin: germline.

GeneDx
Classification: Likely benign. Last evaluated: 2015-10-27. Review status: criteria provided, single submitter. Criteria: GeneDx Variant Classification (06012015). Collection method: clinical testing. Allele origin: germline. Affected: yes.
Comment: This variant is considered likely benign or benign based on one or more of the following criteria: it is a conservative change, it occurs at a poorly conserved position in the protein, it is predicted to be benign by multiple in silico algorithms, and/or has population frequency not consistent with disease.